The following is an entry in ClinVar:

NM_019842.4(KCNQ5):c.739C>T (p.Arg247Ter)

Gene: KCNQ5 (potassium voltage-gated channel subfamily Q member 5; plus strand). Cytogenetic location: 6q13.
Variant type: single nucleotide variant.
Coding change: c.739C>T on transcript NM_019842.4 (MANE Select); coding-DNA position 739, C replaced by T.
Protein change: p.Arg247Ter; replaces arginine 247 with a stop codon.
Molecular consequence: nonsense.
Genome position (GRCh38, 1-based): chr6:73,077,444, C>T. VCF-style: chr6-73077444-C-T. GRCh37 (hg19) VCF-style: chr6-73787167-C-T.
Other names: c.739C>T (NM_001160133.1); c.739C>T, p.Arg247Ter (NM_001160130.2, NM_001160132.2, NM_001160133.2 and 1 more transcripts); short protein forms R247*.
Identifiers: ClinVar variation 2876968 (VCV002876968.5), dbSNP rs2533591746, ClinGen allele CA364826359.

ClinVar aggregate classification (germline): Conflicting classifications of pathogenicity. Review status: criteria provided, conflicting classifications (1 of 4 stars). 3 submissions from 3 submitters: Pathogenic (2); Uncertain significance (1). Last evaluated 2026-03-31.

Conditions:
Intellectual developmental disorder, autosomal dominant 46. Also called: MENTAL RETARDATION, AUTOSOMAL DOMINANT 46; Intellectual disability, autosomal dominant 46. Identifiers: MedGen C4539851, MONDO:0030911, OMIM 617601.

Allele frequency attached by ClinVar (database versions not stated): gnomAD exomes below 0.00001.

Submissions (3):

GeneDx
Classification: Uncertain significance. Last evaluated: 2026-03-31. Review status: criteria provided, single submitter. Criteria: GeneDx Variant Classification Process June 2021. Collection method: clinical testing. Allele origin: germline.
Comment: Not observed at significant frequency in large population cohorts (gnomAD); Nonsense variant predicted to result in protein truncation or nonsense mediated decay in a gene or region of a gene for which loss of function is not a well-established mechanism of disease; Has not been previously published as pathogenic or benign to our knowledge

Women's Health and Genetics/Laboratory Corporation of America, LabCorp
Classification: Pathogenic for Intellectual developmental disorder, autosomal dominant 46. Last evaluated: 2026-02-18. Review status: criteria provided, single submitter. Criteria: LabCorp Variant Classification Summary - May 2015. Collection method: clinical testing. Allele origin: germline.
Comment: Variant summary: KCNQ5 c.739C>T (p.Arg247X) results in a premature termination codon, predicted to cause a truncation of the encoded protein or absence of the protein due to nonsense mediated decay, which are commonly known mechanisms for disease. The variant was absent in 251070 control chromosomes. To our knowledge, no occurrence of c.739C>T in individuals affected with KCNQ5-related conditions and no experimental evidence demonstrating its impact on protein function have been reported. ClinVar contains an entry for this variant (Variation ID: 2876968). Based on the evidence outlined above, the variant was classified as pathogenic.

Labcorp Genetics (formerly Invitae), Labcorp
Classification: Pathogenic. Last evaluated: 2024-04-17. Review status: criteria provided, single submitter. Criteria: Invitae Variant Classification Sherloc (09022015). Collection method: clinical testing. Allele origin: germline.
Comment: This sequence change creates a premature translational stop signal (p.Arg247*) in the KCNQ5 gene. It is expected to result in an absent or disrupted protein product. Loss-of-function variants in KCNQ5 are known to be pathogenic (PMID: 28669405, 35583973, 36088682). This variant is not present in population databases (gnomAD no frequency). This variant has not been reported in the literature in individuals affected with KCNQ5-related conditions. For these reasons, this variant has been classified as Pathogenic.

Literature cited by the submitters: PubMed 28669405 (cited by Labcorp Genetics (formerly Invitae), Labcorp); PubMed 35583973 (cited by Labcorp Genetics (formerly Invitae), Labcorp); PubMed 36088682 (cited by Labcorp Genetics (formerly Invitae), Labcorp).